The following is an entry in ClinVar:

NM_000384.3(APOB):c.10186G>A (p.Ala3396Thr)

Gene: APOB (apolipoprotein B; minus strand). Cytogenetic location: 2p24.1.
Variant type: single nucleotide variant.
Coding change: c.10186G>A on transcript NM_000384.3 (MANE Select); coding-DNA position 10186, G replaced by A.
Protein change: p.Ala3396Thr; replaces alanine 3396 with threonine.
Molecular consequence: missense variant.
Genome position (GRCh38, 1-based): chr2:21,006,682, C>T on the plus strand (G>A on the coding strand, the complement: APOB is on the minus strand). VCF-style: chr2-21006682-C-T. GRCh37 (hg19) VCF-style: chr2-21229554-C-T.
Other names: short protein forms A3396T.
Identifiers: ClinVar variation 444010 (VCV000444010.2), dbSNP rs1553383017, ClinGen allele CA345987160.

ClinVar aggregate classification (germline): Likely pathogenic. Review status: criteria provided, single submitter (1 of 4 stars). 2 submissions from 2 submitters: Likely pathogenic (1). 1 of the submissions does not count toward it. Last evaluated 2023-02-26.

Conditions:
APOB-related disorder. Also called: APOB-related condition; APOB-related disorders.
Hypercholesterolemia, autosomal dominant, type B (FHCL2). Also called: Familial hypercholesterolemia 2; Familial Hypercholesterolemia Type B; HYPERCHOLESTEROLEMIA, FAMILIAL, DUE TO LIGAND-DEFECTIVE APOLIPOPROTEIN B; APOB-Related Familial Hypercholesterolemia, Autosomal Dominant; APOLIPOPROTEIN B-100, FAMILIAL DEFECTIVE; APOLIPOPROTEIN B-100, FAMILIAL LIGAND-DEFECTIVE. Identifiers: MedGen C1704417, MONDO:0007751, OMIM 144010.

Allele frequency attached by ClinVar (database versions not stated): gnomAD exomes below 0.00001.
gnomAD v4.1: 2 of 1,614,074 alleles (0.00012%); highest among the groups gnomAD compares: East Asian, 0.0022%; no homozygotes.

Submissions (2):

PreventionGenetics, part of Exact Sciences
Classification: Likely pathogenic for APOB-related condition. Last evaluated: 2023-02-26. Review status: criteria provided, single submitter. Criteria: ACMG Guidelines, 2015. Collection method: clinical testing. Allele origin: germline.
Comment: The APOB c.10186G>A variant is predicted to result in the amino acid substitution p.Ala3396Thr. This variant has been reported in an individual with hypercholesterolemia (Stitziel et al. 2015. PubMed ID: 25632026). In addition, the segregation of this variant showed that five individuals with the heterozygous state have hypercholesterolemia in one family (Elbitar et al. 2018. PubMed ID: 29386597). This variant has not been reported in a large population database, indicating this variant is rare. This variant is interpreted as likely pathogenic.

Centre de Génétique Moléculaire et Chromosomique, Unité de génétique de l'Obésité et des Dyslipidémies, APHP, GH Hôpitaux Universitaires Pitié-Salpêtrière / Charles-Foix
Classification: Likely pathogenic for Hypercholesterolemia, autosomal dominant, type B. Last evaluated: 2017-10-19. Review status: no assertion criteria provided. Collection method: clinical testing. Allele origin: germline. Inheritance: Autosomal dominant inheritance. Affected: yes. Observed: 5 variant alleles, 5 heterozygotes. Not counted in ClinVar's aggregate classification.
Comment: Variant absent in gnomAD (more than 245 000 alleles sequenced) co-segregation (C/TA;C;NA): 5/5; 0/3